The following is an entry in ClinVar:

NM_014629.4(ARHGEF10):c.1870G>C (p.Glu624Gln)

Gene: ARHGEF10 (Rho guanine nucleotide exchange factor 10; plus strand). Cytogenetic location: 8p23.3.
Variant type: single nucleotide variant.
Coding change: c.1870G>C on transcript NM_014629.4 (MANE Select); coding-DNA position 1870, G replaced by C.
Protein change: p.Glu624Gln; replaces glutamic acid 624 with glutamine.
Molecular consequence: missense variant.
Genome position (GRCh38, 1-based): chr8:1,905,619, G>C. VCF-style: chr8-1905619-G-C. GRCh37 (hg19) VCF-style: chr8-1853785-G-C.
Other names: c.1756G>C, p.Glu586Gln (NM_001308152.2); c.1870G>C, p.Glu624Gln (NM_001308153.3); short protein forms E648Q, E624Q, E586Q.
Identifiers: ClinVar variation 3702030 (VCV003702030.3).
Genomic context (GRCh38, chr8:1,905,619, plus strand): 5'-TTGAATGTCCAGCTTCTCAGCAGTGGAAGCCGATACCTCATTCGATCAGATGATATGATA[G>C]AAACAGTTTACAACGACAGAGGAGAGATTGTTAAAACCAAAGAACGCCGAGTCTTCATGT-3'
Protein context (NP_055444.2, residues 614-634): RYLIRSDDMI[Glu624Gln]TVYNDRGEIV

ClinVar aggregate classification (germline): Uncertain significance. Review status: criteria provided, multiple submitters, no conflicts (2 of 4 stars). 2 submissions from 2 submitters: Uncertain significance (2). Last evaluated 2025-04-01.

Submissions (2):

Ambry Genetics
Classification: Uncertain significance. Last evaluated: 2025-04-01. Review status: criteria provided, single submitter. Criteria: Ambry Variant Classification Scheme 2023. Collection method: clinical testing. Allele origin: germline.

Labcorp Genetics (formerly Invitae), Labcorp
Classification: Uncertain significance. Last evaluated: 2024-07-24. Review status: criteria provided, single submitter. Criteria: Invitae Variant Classification Sherloc (09022015). Collection method: clinical testing. Allele origin: germline.
Comment: This sequence change replaces glutamic acid, which is acidic and polar, with glutamine, which is neutral and polar, at codon 624 of the ARHGEF10 protein (p.Glu624Gln). This variant is not present in population databases (gnomAD no frequency). This variant has not been reported in the literature in individuals affected with ARHGEF10-related conditions. Advanced modeling of protein sequence and biophysical properties (such as structural, functional, and spatial information, amino acid conservation, physicochemical variation, residue mobility, and thermodynamic stability) performed at Invitae indicates that this missense variant is not expected to disrupt ARHGEF10 protein function with a negative predictive value of 80%. In summary, the available evidence is currently insufficient to determine the role of this variant in disease. Therefore, it has been classified as a Variant of Uncertain Significance.